The following is an entry in ClinVar:

NM_015443.4(KANSL1):c.541C>T (p.Arg181Trp)

Gene: KANSL1 (KAT8 regulatory NSL complex subunit 1). Cytogenetic location: 17q21.31.
Variant type: single nucleotide variant.
Coding change: c.541C>T on transcript NM_015443.4 (MANE Select); coding-DNA position 541, C replaced by T.
Protein change: p.Arg181Trp; replaces arginine 181 with tryptophan.
Molecular consequence: missense variant.
Genome position (GRCh38, 1-based): chr17:46,171,603, G>A on the plus strand (C>T on the coding strand, the complement: KANSL1 is on the minus strand). VCF-style: chr17-46171603-G-A. GRCh37 (hg19) VCF-style: chr17-44248969-G-A.
Other names: p.R181W:CGG>TGG; c.541C>T, p.Arg181Trp (NM_001193465.2, NM_001193466.2, NM_001379198.1); short protein forms R181W.
Identifiers: ClinVar variation 205769 (VCV000205769.11), dbSNP rs375225315, ClinGen allele CA315164.

ClinVar aggregate classification (germline): Likely benign. Review status: criteria provided, multiple submitters, no conflicts (2 of 4 stars). 2 submissions from 2 submitters: Likely benign (2). Last evaluated 2024-09-13.

Conditions:
Koolen-de Vries syndrome (KDVS). Identifiers: Orphanet 96169, MedGen C1864871, MONDO:0012496, OMIM 610443.

Allele frequency attached by ClinVar (database versions not stated): ExAC 0.00002; gnomAD exomes 0.00002 and 0.00003; gnomAD 0.00004 and 0.00005; ESP Exome Variant Server 0.00008; TOPMed 0.00008.
gnomAD v4.1: 61 of 1,583,346 alleles (0.0039%); highest among the groups gnomAD compares: African/African-American, 0.012%; no homozygotes.

Submissions (2):

Labcorp Genetics (formerly Invitae), Labcorp
Classification: Likely benign for Koolen-de Vries syndrome. Last evaluated: 2024-09-13. Review status: criteria provided, single submitter. Criteria: Invitae Variant Classification Sherloc (09022015). Collection method: clinical testing. Allele origin: germline.

GeneDx
Classification: Likely benign. Last evaluated: 2020-10-23. Review status: criteria provided, single submitter. Criteria: GeneDx Variant Classification Process June 2021. Collection method: clinical testing. Allele origin: germline. Affected: yes.
Comment: This variant is associated with the following publications: (PMID: 29352316)